The following is an entry in ClinVar:

ClinVar aggregate classification (germline): Uncertain significance. Review status: criteria provided, single submitter (1 of 4 stars). 2 submissions from 2 submitters: Uncertain significance (1). 1 of the submissions does not count toward it. Last evaluated 2023-08-29.

Conditions:
Cardiovascular phenotype. Identifiers: MedGen CN230736.
Hereditary cancer-predisposing syndrome. Also called: Neoplastic Syndromes, Hereditary; Hereditary neoplastic syndrome; Tumor predisposition; Hereditary Cancer Syndrome. Identifiers: Orphanet 140162, MedGen C0027672, MeSH D009386, MONDO:0015356.
Short stature. Identifiers: MedGen C0349588, HP:0004322.

gnomAD v4.1: 1 of 1,582,614 alleles (0.000063%); highest among the groups gnomAD compares: Non-Finnish European, 0.000086%; no homozygotes.

Submissions (2):

Ambry Genetics
Classification: Uncertain significance for Cardiovascular phenotype; Hereditary cancer-predisposing syndrome. Last evaluated: 2023-08-29. Review status: criteria provided, single submitter. Criteria: Ambry Variant Classification Scheme 2023. Collection method: clinical testing. Allele origin: germline.
Comment: The p.R21P variant (also known as c.62G>C), located in coding exon 1 of the LZTR1 gene, results from a G to C substitution at nucleotide position 62. The arginine at codon 21 is replaced by proline, an amino acid with dissimilar properties. This amino acid position is conserved. In addition, this alteration is predicted to be tolerated by in silico analysis. Since supporting evidence is limited at this time, the clinical significance of this alteration remains unclear.

Institute of Human Genetics, FAU Erlangen, Friedrich-Alexander-Universität Erlangen-Nürnberg
Classification: Likely pathogenic for Short stature. Last evaluated: 2001-11-18. Review status: no assertion criteria provided. Collection method: case-control. Allele origin: unknown. Affected: yes. Not counted in ClinVar's aggregate classification.

NM_006767.4(LZTR1):c.62G>C (p.Arg21Pro)

Genes: LZTR1 (leucine zipper like post translational regulator 1; plus strand), LOC130067016 (ATAC-STARR-seq lymphoblastoid silent region 13504; plus strand). Cytogenetic location: 22q11.21.
Variant type: single nucleotide variant.
Coding change: c.62G>C on transcript NM_006767.4 (MANE Select); coding-DNA position 62, G replaced by C.
Protein change: p.Arg21Pro; replaces arginine 21 with proline.
Molecular consequence: missense variant.
Genome position (GRCh38, 1-based): chr22:20,982,433, G>C. VCF-style: chr22-20982433-G-C. GRCh37 (hg19) VCF-style: chr22-21336722-G-C.
Other names: short protein forms R21P.
Identifiers: ClinVar variation 599520 (VCV000599520.2), dbSNP rs1469540056, ClinGen allele CA410777573.